The following is an entry in ClinVar:

NM_001367624.2(ZNF469):c.7215G>C (p.Leu2405Phe)

Gene: ZNF469 (zinc finger protein 469; plus strand). Cytogenetic location: 16q24.2.
Variant type: single nucleotide variant.
Coding change: c.7215G>C on transcript NM_001367624.2 (MANE Select); coding-DNA position 7215, G replaced by C.
Protein change: p.Leu2405Phe; replaces leucine 2405 with phenylalanine.
Molecular consequence: missense variant.
Genome position (GRCh38, 1-based): chr16:88,434,685, G>C. VCF-style: chr16-88434685-G-C. GRCh37 (hg19) VCF-style: chr16-88501093-G-C.
Other names: NM_001127464.1:c.7131G>C; short protein forms L2405F.
Identifiers: ClinVar variation 1757318 (VCV001757318.3), dbSNP rs1051148026, ClinGen allele CA286382482.

ClinVar aggregate classification (germline): Uncertain significance (1 of 4 stars; one submission).

Conditions:
Cardiovascular phenotype. Identifiers: MedGen CN230736.

Allele frequency attached by ClinVar (database versions not stated): gnomAD exomes below 0.00001; gnomAD 0.00003; TOPMed 0.00003.
gnomAD v4.1: 5 of 1,550,250 alleles (0.00032%); highest among the groups gnomAD compares: African/African-American, 0.0068%; no homozygotes.

Submission:

Ambry Genetics
Classification: Uncertain significance for Cardiovascular phenotype. Last evaluated: 2025-01-04. Review status: criteria provided, single submitter. Criteria: Ambry Variant Classification Scheme 2023. Collection method: clinical testing. Allele origin: germline.
Comment: The p.L2377F variant (also known as c.7131G>C), located in coding exon 2 of the ZNF469 gene, results from a G to C substitution at nucleotide position 7131. The leucine at codon 2377 is replaced by phenylalanine, an amino acid with highly similar properties. This amino acid position is conserved. In addition, this alteration is predicted to be tolerated by in silico analysis. Since supporting evidence is limited at this time, the clinical significance of this alteration remains unclear.